The following is an entry in ClinVar:

NM_000182.5(HADHA):c.431C>T (p.Ser144Phe)

Gene: HADHA (hydroxyacyl-CoA dehydrogenase trifunctional multienzyme complex subunit alpha; minus strand). Cytogenetic location: 2p23.3.
Variant type: single nucleotide variant.
Coding change: c.431C>T on transcript NM_000182.5 (MANE Select); coding-DNA position 431, C replaced by T.
Protein change: p.Ser144Phe; replaces serine 144 with phenylalanine.
Molecular consequence: missense variant.
Genome position (GRCh38, 1-based): chr2:26,234,239, G>A on the plus strand (C>T on the coding strand, the complement: HADHA is on the minus strand). VCF-style: chr2-26234239-G-A. GRCh37 (hg19) VCF-style: chr2-26457107-G-A.
Other names: short protein forms S144F.
Identifiers: ClinVar variation 836141 (VCV000836141.10), dbSNP rs758107197, ClinGen allele CA346093408.

ClinVar aggregate classification (germline): Uncertain significance. Review status: criteria provided, single submitter (1 of 4 stars). 2 submissions from 2 submitters: Uncertain significance (1). 1 of the submissions does not count toward it. Last evaluated 2019-11-26.

Conditions:
Mitochondrial trifunctional protein deficiency. Identifiers: Orphanet 746, MedGen C1969443, MONDO:0012172.
Long chain 3-hydroxyacyl-CoA dehydrogenase deficiency. Also called: LCHAD Deficiency; Deficiency of long-chain 3-hydroxyacyl-coenzyme A dehydrogenase. Identifiers: Orphanet 5, MedGen C3711645, MONDO:0012173, OMIM 609016.

Allele frequency attached by ClinVar (database versions not stated): TOPMed 0.00001.
gnomAD v4.1: 2 of 1,613,928 alleles (0.00012%); highest among the groups gnomAD compares: Admixed American, 0.0017%; no homozygotes.

Submissions (2):

Labcorp Genetics (formerly Invitae), Labcorp
Classification: Uncertain significance for Mitochondrial trifunctional protein deficiency; Long chain 3-hydroxyacyl-CoA dehydrogenase deficiency. Last evaluated: 2019-11-26. Review status: criteria provided, single submitter. Criteria: Invitae Variant Classification Sherloc (09022015). Collection method: clinical testing. Allele origin: germline.
Comment: This sequence change replaces serine with phenylalanine at codon 144 of the HADHA protein (p.Ser144Phe). The serine residue is moderately conserved and there is a large physicochemical difference between serine and phenylalanine. This variant is not present in population databases (ExAC no frequency). This variant has not been reported in the literature in individuals with HADHA-related conditions. Algorithms developed to predict the effect of missense changes on protein structure and function are either unavailable or do not agree on the potential impact of this missense change (SIFT: "Tolerated"; PolyPhen-2: "Possibly Damaging"; Align-GVGD: "Class C0"). In summary, the available evidence is currently insufficient to determine the role of this variant in disease. Therefore, it has been classified as a Variant of Uncertain Significance.

Natera, Inc.
Classification: Uncertain significance for Deficiency of long-chain 3-hydroxyacyl-coenzyme A dehydrogenase. Last evaluated: 2021-06-16. Review status: no assertion criteria provided. Collection method: clinical testing. Allele origin: germline. Not counted in ClinVar's aggregate classification.